The following is an entry in ClinVar:

ClinVar aggregate classification (germline): Pathogenic. Review status: criteria provided, multiple submitters, no conflicts (2 of 4 stars). 3 submissions from 3 submitters: Pathogenic (3). Last evaluated 2025-03-20.

Conditions:
Fanconi anemia (FA). Also called: Fanconi's anemia. Identifiers: Orphanet 84, MedGen C0015625, MeSH D005199, MONDO:0019391.
Fanconi anemia complementation group G. Also called: FANCG-Related Fanconi Anemia; Fanconi anemia group G. Identifiers: Orphanet 84, MedGen C3469527, MONDO:0013565, OMIM 614082.

Submissions (3):

Natera, Inc.
Classification: Pathogenic for Fanconi anemia group G. Last evaluated: 2025-03-20. Review status: criteria provided, single submitter. Criteria: Natera Variant Classification Schema (03/2026). Collection method: clinical testing. Allele origin: germline.
Comment: The c.1309_1310dupGA variant in FANCG is a frameshift variant predicted to shift the reading frame beginning at codon 437 and leads to a stop codon 82 codons downstream. This variant is expected to result in nonsense mediated decay, truncation, or a dysfunctional protein product. This variant is rare in the general population with a frequency below the threshold expected for the associated phenotype(s). This variant has been observed in one or more individuals affected with the associated recessive disease, as either homozygous or compound heterozygous with a second variant (PMID: 11093276). Given the available evidence, this variant is classified as Pathogenic.

Labcorp Genetics (formerly Invitae), Labcorp
Classification: Pathogenic for Fanconi anemia. Last evaluated: 2023-09-27. Review status: criteria provided, single submitter. Criteria: Invitae Variant Classification Sherloc (09022015). Collection method: clinical testing. Allele origin: germline.
Comment: ClinVar contains an entry for this variant (Variation ID: 1073453). For these reasons, this variant has been classified as Pathogenic. This sequence change creates a premature translational stop signal (p.Asp437Glufs*82) in the FANCG gene. It is expected to result in an absent or disrupted protein product. Loss-of-function variants in FANCG are known to be pathogenic (PMID: 12552564). This variant is not present in population databases (gnomAD no frequency). This premature translational stop signal has been observed in individual(s) with clinical features of Fanconi anemia (PMID: 11093276). This variant is also known as 1310-1311insGA, D437E+80X.

Baylor Genetics
Classification: Pathogenic for Fanconi anemia complementation group G. Last evaluated: 2023-08-03. Review status: criteria provided, single submitter. Criteria: ACMG Guidelines, 2015. Collection method: clinical testing. Allele origin: unknown.

Literature cited by the submitters: PubMed 11093276 (cited by Natera, Inc. and Labcorp Genetics (formerly Invitae), Labcorp); PubMed 12552564 (cited by Labcorp Genetics (formerly Invitae), Labcorp).

NM_004629.2(FANCG):c.1309_1310dup (p.Asp437fs)

Gene: FANCG (FA complementation group G; minus strand). Cytogenetic location: 9p13.3.
Variant type: Duplication.
Coding change: c.1309_1310dup on transcript NM_004629.2 (MANE Select); coding-DNA positions 1309 to 1310, 2 bases duplicated (GA; older notation c.1309_1310dupGA).
Protein change: p.Asp437fs; shifts the reading frame from aspartic acid 437.
Molecular consequence: frameshift variant.
Genome position (GRCh38, 1-based): chr9:35,075,588-35,075,589, TC duplicated on the plus strand (GA on the coding strand, the reverse complement: FANCG is on the minus strand); duplicating any 2 consecutive bases within chr9:35,075,588-35,075,590 gives the same sequence; the c. name uses the placement nearest the transcript's 3' end. VCF-style (leftmost placement, unchanged base first): chr9-35075587-A-ATC. GRCh37 (hg19) VCF-style: chr9-35075584-A-ATC.
Other names: c.1309_1310dupGA (NM_004629.1); short protein forms D437fs.
Identifiers: ClinVar variation 1073453 (VCV001073453.12), dbSNP rs2131053943, ClinGen allele CA2499219877.